The following is an entry in ClinVar:

ClinVar aggregate classification (germline): Uncertain significance (1 of 4 stars; one submission).

Conditions:
Gorlin syndrome. Also called: Basal cell nevus syndrome; Nevoid Basal Cell Carcinoma Syndrome. Identifiers: Orphanet 377, MedGen C0004779, MONDO:0007187.

Allele frequency attached by ClinVar (database versions not stated): TOPMed below 0.00001.

Submission:

Labcorp Genetics (formerly Invitae), Labcorp
Classification: Uncertain significance for Gorlin syndrome. Last evaluated: 2022-02-24. Review status: criteria provided, single submitter. Criteria: Invitae Variant Classification Sherloc (09022015). Collection method: clinical testing. Allele origin: germline.
Comment: This sequence change falls in intron 14 of the PTCH1 gene. It does not directly change the encoded amino acid sequence of the PTCH1 protein. It affects a nucleotide within the consensus splice site. This variant is not present in population databases (gnomAD no frequency). This variant has not been reported in the literature in individuals affected with PTCH1-related conditions. Variants that disrupt the consensus splice site are a relatively common cause of aberrant splicing (PMID: 17576681, 9536098). Algorithms developed to predict the effect of sequence changes on RNA splicing suggest that this variant is not likely to affect RNA splicing. In summary, the available evidence is currently insufficient to determine the role of this variant in disease. Therefore, it has been classified as a Variant of Uncertain Significance.

Literature cited by the submitters: PubMed 17576681; PubMed 9536098.

NM_000264.5(PTCH1):c.2250+6C>T

Genes: PTCH1 (patched 1; minus strand), LOC100507346 (uncharacterized LOC100507346; plus strand). Cytogenetic location: 9q22.32.
Variant type: single nucleotide variant.
Coding change: c.2250+6C>T on transcript NM_000264.5 (MANE Select); 6 bases into the intron after coding-DNA position 2250, C replaced by T.
Molecular consequence: intron variant. On other transcripts: non-coding transcript variant (1).
Genome position (GRCh38, 1-based): chr9:95,468,745, G>A on the plus strand (C>T on the coding strand, the complement: PTCH1 is on the minus strand). VCF-style: chr9-95468745-G-A. GRCh37 (hg19) VCF-style: chr9-98231027-G-A.
Other names: c.2247+6C>T (NM_001083603.3); c.2052+6C>T (NM_001083602.3); c.2094+6C>T (NM_001354918.2); c.1797+6C>T (NM_001083605.3, NM_001083604.3, NM_001083606.3 and 1 more transcripts).
Identifiers: ClinVar variation 1960830 (VCV001960830.5), dbSNP rs1414165295, ClinGen allele CA868789384.